The following is an entry in ClinVar:

ClinVar aggregate classification (germline): Uncertain significance (1 of 4 stars; one submission).

Conditions:
Familial thoracic aortic aneurysm and aortic dissection (TAAD). Also called: Thoracic aortic aneurysms and dissections. Identifiers: Orphanet 91387, MedGen C4707243, MONDO:0019625.

Submission:

Color Diagnostics, LLC DBA Color Health
Classification: Uncertain significance for Familial thoracic aortic aneurysm and aortic dissection. Last evaluated: 2024-06-24. Review status: criteria provided, single submitter. Criteria: ACMG Guidelines, 2015. Collection method: clinical testing. Allele origin: germline.
Comment: This variant is located in the 5' untranslated region of the TGFBR2 gene. To our knowledge, functional studies have not been reported for this variant. This variant has not been reported in individuals affected with TGFBR2-related disorders in the literature. This variant has not been identified in the general population by the Genome Aggregation Database (gnomAD). The available evidence is insufficient to determine the role of this variant in disease conclusively. Therefore, this variant is classified as a Variant of Uncertain Significance.

NM_003242.6(TGFBR2):c.-7G>A

Gene: TGFBR2 (transforming growth factor beta receptor 2; plus strand). Cytogenetic location: 3p24.1.
Variant type: single nucleotide variant.
Coding change: c.-7G>A on transcript NM_003242.6 (MANE Select); 7 bases upstream of the start codon, G replaced by A.
Molecular consequence: 5 prime UTR variant. On other transcripts: intron variant (2).
Genome position (GRCh38, 1-based): chr3:30,606,877, G>A. VCF-style: chr3-30606877-G-A. GRCh37 (hg19) VCF-style: chr3-30648369-G-A.
Other names: c.-7G>A (NM_001024847.3, NM_001407126.1, NM_001407127.1 and 4 more transcripts); c.-290G>A (NM_001407133.1); c.-168G>A (NM_001407134.1); c.-215G>A (NM_001407135.1); c.-300G>A (NM_001407136.1); c.-12+284G>A (NM_001407129.1, NM_001407132.1).
Identifiers: ClinVar variation 3893974 (VCV003893974.1).